The following is an entry in ClinVar:

NM_014704.4(CEP104):c.1209A>G (p.Ala403=)

Gene: CEP104 (centrosomal protein 104; minus strand). Cytogenetic location: 1p36.32.
Variant type: single nucleotide variant.
Coding change: c.1209A>G on transcript NM_014704.4 (MANE Select); coding-DNA position 1209, A replaced by G.
Protein change: p.Ala403=; no amino-acid change (alanine 403 retained).
Molecular consequence: synonymous variant.
Genome position (GRCh38, 1-based): chr1:3,836,603, T>C on the plus strand (A>G on the coding strand, the complement: CEP104 is on the minus strand). VCF-style: chr1-3836603-T-C. GRCh37 (hg19) VCF-style: chr1-3753167-T-C.
Identifiers: ClinVar variation 4085271 (VCV004085271.8).
Genomic context (GRCh38, chr1:3,836,603, plus strand): 5'-CTTCTCGGTTAAGGGCTCTGGCTCCCCTAACATGCCTCCCCTCCGAGCATCGCTGATGTC[T>C]GCATTACTCATTTCCGGCTCCACCACTGCCTCCCCATAATGCTTACGAATAGCTGGAAGA-3'
Protein context (NP_055519.1, residues 393-413): EAVVEPEMSN[Ala403=]DISDARRGGM

ClinVar aggregate classification (germline): Likely benign (1 of 4 stars; one submission).

gnomAD v4.1: 3 of 1,613,408 alleles (0.00019%); highest among the groups gnomAD compares: South Asian, 0.0011%; no homozygotes.

Submission:

CeGaT Center for Human Genetics Tuebingen
Classification: Likely benign. Last evaluated: 2025-06-01. Review status: criteria provided, single submitter. Criteria: CeGaT Center For Human Genetics Tuebingen Variant Classification Criteria Version 2. Collection method: clinical testing. Allele origin: germline. Affected: yes. Observed: 1 variant allele.
Comment: CEP104: BP4, BP7